The following is an entry in ClinVar:

NM_000199.5(SGSH):c.1159G>T (p.Val387Leu)

Gene: SGSH (N-sulfoglucosamine sulfohydrolase; minus strand). Cytogenetic location: 17q25.3.
Variant type: single nucleotide variant.
Coding change: c.1159G>T on transcript NM_000199.5 (MANE Select); coding-DNA position 1159, G replaced by T.
Protein change: p.Val387Leu; replaces valine 387 with leucine.
Molecular consequence: missense variant. On other transcripts: 3 prime UTR variant (2), non-coding transcript variant (1).
Genome position (GRCh38, 1-based): chr17:80,210,802, C>A on the plus strand (G>T on the coding strand, the complement: SGSH is on the minus strand). VCF-style: chr17-80210802-C-A. GRCh37 (hg19) VCF-style: chr17-78184601-C-A.
Other names: c.*246G>T (NM_001352921.3); c.*209G>T (NM_001352922.2); short protein forms V387L.
Identifiers: ClinVar variation 1063244 (VCV001063244.8), dbSNP rs62620232, ClinGen allele CA401359025.

ClinVar aggregate classification (germline): Uncertain significance. Review status: criteria provided, multiple submitters, no conflicts (2 of 4 stars). 2 submissions from 2 submitters: Uncertain significance (2). Last evaluated 2022-10-03.

Conditions:
Mucopolysaccharidosis, MPS-III-A (MPS3A). Also called: mucopolysaccharidosis type 3A; MPS IIIA (Sanfilippo Syndrome Type A); HEPARAN SULFATE SULFATASE DEFICIENCY; MUCOPOLYSACCHARIDOSIS, TYPE IIIA, ATTENUATED; Mucopolysaccharidosis type IIIA (Sanfilippo A); Mucopolysaccharidosis, type IIIA. Identifiers: Orphanet 581, Orphanet 79269, MedGen C0086647, MONDO:0009655, OMIM 252900.

Submissions (2):

Labcorp Genetics (formerly Invitae), Labcorp
Classification: Uncertain significance for Mucopolysaccharidosis, MPS-III-A. Last evaluated: 2022-10-03. Review status: criteria provided, single submitter. Criteria: Invitae Variant Classification Sherloc (09022015). Collection method: clinical testing. Allele origin: germline.
Comment: This sequence change replaces valine, which is neutral and non-polar, with leucine, which is neutral and non-polar, at codon 387 of the SGSH protein (p.Val387Leu). This variant is not present in population databases (gnomAD no frequency). This variant has not been reported in the literature in individuals affected with SGSH-related conditions. ClinVar contains an entry for this variant (Variation ID: 1063244). Algorithms developed to predict the effect of missense changes on protein structure and function output the following: SIFT: "Tolerated"; PolyPhen-2: "Benign"; Align-GVGD: "Class C0". The leucine amino acid residue is found in multiple mammalian species, which suggests that this missense change does not adversely affect protein function. In summary, the available evidence is currently insufficient to determine the role of this variant in disease. Therefore, it has been classified as a Variant of Uncertain Significance.

Genome-Nilou Lab
Classification: Uncertain significance for Mucopolysaccharidosis, MPS-III-A. Last evaluated: 2021-11-07. Review status: criteria provided, single submitter. Criteria: ACMG Guidelines, 2015. Collection method: clinical testing. Allele origin: germline. Affected: no.